The following is an entry in ClinVar:

NM_006017.3(PROM1):c.2515A>G (p.Met839Val)

Gene: PROM1 (prominin 1; minus strand). Cytogenetic location: 4p15.32.
Variant type: single nucleotide variant.
Coding change: c.2515A>G on transcript NM_006017.3 (MANE Select); coding-DNA position 2515, A replaced by G.
Protein change: p.Met839Val; replaces methionine 839 with valine.
Molecular consequence: missense variant. On other transcripts: intron variant (6).
Genome position (GRCh38, 1-based): chr4:15,979,462, T>C on the plus strand (A>G on the coding strand, the complement: PROM1 is on the minus strand). VCF-style: chr4-15979462-T-C. GRCh37 (hg19) VCF-style: chr4-15981085-T-C.
Other names: c.2488A>G, p.Met830Val (NM_001145847.2, NM_001145848.2, NM_001371406.1); c.2462+960A>G (NM_001145852.2, NM_001371408.1, NM_001371407.1); c.2489+960A>G (NM_001145850.2); c.2486+419A>G (NM_001145851.2); c.2513+419A>G (NM_001145849.2); short protein forms M830V, M839V.
Identifiers: ClinVar variation 1472486 (VCV001472486.8), dbSNP rs2149032694, ClinGen allele CA356425954.
Genomic context (GRCh38, chr4:15,979,462, plus strand): 5'-TAACAGGATTGTGAATACCATATACATGATCTTTATGATAACCATTATTACCATTTTCCA[T>C]ACTGTAACAGAAATAAATACACCAAAAACACCATGTTATCTCTAAGATGAAGTATTTACA-3'
Protein context (NP_006008.1, residues 829-849): DDVETIPMKN[Met839Val]ENGNNGYHKD

ClinVar aggregate classification (germline): Uncertain significance (1 of 4 stars; one submission).

Submission:

Labcorp Genetics (formerly Invitae), Labcorp
Classification: Uncertain significance. Last evaluated: 2021-01-15. Review status: criteria provided, single submitter. Criteria: Invitae Variant Classification Sherloc (09022015). Collection method: clinical testing. Allele origin: germline.
Comment: In summary, the available evidence is currently insufficient to determine the role of this variant in disease. Therefore, it has been classified as a Variant of Uncertain Significance. Algorithms developed to predict the effect of missense changes on protein structure and function (SIFT, PolyPhen-2, Align-GVGD) all suggest that this variant is likely to be tolerated, but these predictions have not been confirmed by published functional studies and their clinical significance is uncertain. This variant has not been reported in the literature in individuals with PROM1-related conditions. This variant is not present in population databases (ExAC no frequency). This sequence change replaces methionine with valine at codon 839 of the PROM1 protein (p.Met839Val). The methionine residue is moderately conserved and there is a small physicochemical difference between methionine and valine.